The following is an entry in ClinVar:

ClinVar aggregate classification (germline): Uncertain significance (1 of 4 stars; one submission).

Submission:

GeneDx
Classification: Uncertain significance. Last evaluated: 2025-03-26. Review status: criteria provided, single submitter. Criteria: GeneDx Variant Classification Process June 2021. Collection method: clinical testing. Allele origin: germline. Affected: yes.
Comment: Not observed at significant frequency in large population cohorts (gnomAD); In silico analysis indicates that this missense variant does not alter protein structure/function; Has not been previously published as pathogenic or benign to our knowledge

NM_022455.5(NSD1):c.5290G>A (p.Val1764Ile)

Gene: NSD1 (nuclear receptor binding SET domain protein 1; plus strand). Cytogenetic location: 5q35.3.
Variant type: single nucleotide variant.
Coding change: c.5290G>A on transcript NM_022455.5 (MANE Select); coding-DNA position 5290, G replaced by A.
Protein change: p.Val1764Ile; replaces valine 1764 with isoleucine.
Molecular consequence: missense variant.
Genome position (GRCh38, 1-based): chr5:177,267,705, G>A. VCF-style: chr5-177267705-G-A. GRCh37 (hg19) VCF-style: chr5-176694706-G-A.
Other names: c.4417G>A, p.Val1473Ile (NM_001365684.2, NM_001409308.1, NM_001409309.1 and 1 more transcripts); c.5290G>A, p.Val1764Ile (NM_001409301.1, NM_001409302.1, NM_001409303.1); c.4870G>A, p.Val1624Ile (NM_001409304.1); c.4537G>A, p.Val1513Ile (NM_001409305.1); c.4528G>A, p.Val1510Ile (NM_001409306.1, NM_001409307.1); short protein forms V1473I, V1510I, V1513I, V1624I, V1764I.
Identifiers: ClinVar variation 4278661 (VCV004278661.1).